The following is an entry in ClinVar:

NM_003442.6(ZNF143):c.206-4A>C

Gene: ZNF143 (zinc finger protein 143; plus strand). Cytogenetic location: 11p15.4.
Variant type: single nucleotide variant.
Coding change: c.206-4A>C on transcript NM_003442.6 (MANE Select); 4 bases into the intron before coding-DNA position 206, A replaced by C.
Molecular consequence: intron variant.
Genome position (GRCh38, 1-based): chr11:9,473,937, A>C. VCF-style: chr11-9473937-A-C. GRCh37 (hg19) VCF-style: chr11-9495484-A-C.
Other names: c.206-4A>C (NM_001282656.2); c.113-4A>C (NM_001282657.2).
Identifiers: ClinVar variation 3031944 (VCV003031944.4), dbSNP rs369029879, ClinGen allele CA5879289.

ClinVar aggregate classification (germline): Likely benign. Review status: criteria provided, single submitter (1 of 4 stars). 2 submissions from 2 submitters: Likely benign (1). 1 of the submissions does not count toward it. Last evaluated 2024-02-22.

Conditions:
ZNF143-related disorder. Also called: ZNF143-related condition.

Allele frequency attached by ClinVar (database versions not stated): gnomAD 0.00006; ExAC 0.00007; TOPMed 0.00007; ESP Exome Variant Server 0.00015; gnomAD exomes 0.00016.
gnomAD v4.1: 233 of 1,613,976 alleles (0.014%); highest among the groups gnomAD compares: Non-Finnish European, 0.019%; no homozygotes.

Submissions (2):

Labcorp Genetics (formerly Invitae), Labcorp
Classification: Likely benign. Last evaluated: 2024-02-22. Review status: criteria provided, single submitter. Criteria: Invitae Variant Classification Sherloc (09022015). Collection method: clinical testing. Allele origin: germline.

PreventionGenetics, part of Exact Sciences
Classification: Likely benign for ZNF143-related condition. Last evaluated: 2024-01-17. Review status: no assertion criteria provided. Collection method: clinical testing. Allele origin: germline. Not counted in ClinVar's aggregate classification.
Comment: This variant is classified as likely benign based on ACMG/AMP sequence variant interpretation guidelines (Richards et al. 2015 PMID: 25741868, with internal and published modifications).